The following is an entry in ClinVar:

NM_001845.6(COL4A1):c.26TGC[5] (p.Leu12dup)

Gene: COL4A1 (collagen type IV alpha 1 chain; minus strand). Cytogenetic location: 13q34.
Variant type: Microsatellite.
Coding change: c.26TGC[5] on transcript NM_001845.6 (MANE Select); five copies in a row of the 3-base unit TGC starting at c.26; the reference has four copies in a row; one copy, 3 bases duplicated.
Protein change: p.Leu12dup; duplicates leucine 12.
Molecular consequence: inframe insertion.
Genome position (GRCh38, 1-based): chr13:110,306,991-110,306,993, GCA duplicated on the plus strand (TGC on the coding strand, the reverse complement: COL4A1 is on the minus strand); duplicating any 3 consecutive bases within chr13:110,306,991-110,307,004 gives the same sequence; the position shown is the placement nearest the transcript's 3' end. VCF-style (leftmost placement, unchanged base first): chr13-110306990-G-GGCA. GRCh37 (hg19) VCF-style: chr13-110959337-G-GGCA.
Other names: c.26TGC[5], p.Leu12dup (NM_001303110.2).
Identifiers: ClinVar variation 1360894 (VCV001360894.8), dbSNP rs773749770, ClinGen allele CA960188683.

ClinVar aggregate classification (germline): Uncertain significance (1 of 4 stars; one submission).

Submission:

Labcorp Genetics (formerly Invitae), Labcorp
Classification: Uncertain significance. Last evaluated: 2025-12-30. Review status: criteria provided, single submitter. Criteria: Invitae Variant Classification Sherloc (09022015). Collection method: clinical testing. Allele origin: germline.
Comment: This variant, c.35_37dup, results in the insertion of 1 amino acid(s) of the COL4A1 protein (p.Leu12dup), but otherwise preserves the integrity of the reading frame. This variant is not present in population databases (gnomAD no frequency). This variant has not been reported in the literature in individuals affected with COL4A1-related conditions. Experimental studies and prediction algorithms are not available or were not evaluated, and the functional significance of this variant is currently unknown. In summary, the available evidence is currently insufficient to determine the role of this variant in disease. Therefore, it has been classified as a Variant of Uncertain Significance.